The following is an entry in ClinVar:

NM_004168.4(SDHA):c.1497G>C (p.Leu499Phe)

Gene: SDHA (succinate dehydrogenase complex flavoprotein subunit A; plus strand). Cytogenetic location: 5p15.33.
Variant type: single nucleotide variant.
Coding change: c.1497G>C on transcript NM_004168.4 (MANE Select); coding-DNA position 1497, G replaced by C.
Protein change: p.Leu499Phe; replaces leucine 499 with phenylalanine.
Molecular consequence: missense variant.
Genome position (GRCh38, 1-based): chr5:240,422, G>C. VCF-style: chr5-240422-G-C. GRCh37 (hg19) VCF-style: chr5-240537-G-C.
Other names: c.1353G>C, p.Leu451Phe (NM_001294332.2); c.1497G>C, p.Leu499Phe (NM_001330758.2); short protein forms L451F, L499F.
Identifiers: ClinVar variation 2682077 (VCV002682077.3), dbSNP rs1320988567, ClinGen allele CA359014296.

ClinVar aggregate classification (germline): Uncertain significance. Review status: criteria provided, multiple submitters, no conflicts (2 of 4 stars). 2 submissions from 2 submitters: Uncertain significance (2). Last evaluated 2024-04-07.

Conditions:
Pheochromocytoma/paraganglioma syndrome 5. Also called: Paragangliomas 5; SDHA-Related Hereditary Paraganglioma-Pheochromocytoma Syndrome. Identifiers: Orphanet 29072, MedGen C3279992, MONDO:0013602, OMIM 614165.
Mitochondrial complex II deficiency, nuclear type 1. Also called: SUCCINATE CoQ REDUCTASE DEFICIENCY. Identifiers: Orphanet 3208, MedGen C5700310, MONDO:0100294, OMIM 252011.

Submissions (2):

Labcorp Genetics (formerly Invitae), Labcorp
Classification: Uncertain significance for Pheochromocytoma/paraganglioma syndrome 5; Mitochondrial complex II deficiency, nuclear type 1. Last evaluated: 2024-04-07. Review status: criteria provided, single submitter. Criteria: Invitae Variant Classification Sherloc (09022015). Collection method: clinical testing. Allele origin: germline.
Comment: This sequence change replaces leucine, which is neutral and non-polar, with phenylalanine, which is neutral and non-polar, at codon 499 of the SDHA protein (p.Leu499Phe). This variant is not present in population databases (gnomAD no frequency). This variant has not been reported in the literature in individuals affected with SDHA-related conditions. Advanced modeling of protein sequence and biophysical properties (such as structural, functional, and spatial information, amino acid conservation, physicochemical variation, residue mobility, and thermodynamic stability) performed at Invitae indicates that this missense variant is not expected to disrupt SDHA protein function with a negative predictive value of 95%. In summary, the available evidence is currently insufficient to determine the role of this variant in disease. Therefore, it has been classified as a Variant of Uncertain Significance.

Quest Diagnostics Nichols Institute San Juan Capistrano
Classification: Uncertain significance. Last evaluated: 2023-06-29. Review status: criteria provided, single submitter. Criteria: Quest Diagnostics criteria. Collection method: clinical testing. Allele origin: unknown.
Comment: This variant has not been reported in SDHA-related conditions in the published literature. It also has not been reported in large, multi-ethnic general populations (Genome Aggregation Database). Analysis of this variant using bioinformatics tools for the prediction of the effect of amino acid changes on protein structure and function yielded conflicting predictions that this variant is deleterious or benign. Based on the available information, we are unable to determine the clinical significance of this variant.